The following is an entry in ClinVar:

NM_001002295.2(GATA3):c.183G>A (p.Pro61=)

Genes: GATA3 (GATA binding protein 3; plus strand), LOC130003278 (ATAC-STARR-seq lymphoblastoid silent region 2118; plus strand). Cytogenetic location: 10p14.
Variant type: single nucleotide variant.
Coding change: c.183G>A on transcript NM_001002295.2 (MANE Select); coding-DNA position 183, G replaced by A.
Protein change: p.Pro61=; no amino-acid change (proline 61 retained).
Molecular consequence: synonymous variant.
Genome position (GRCh38, 1-based): chr10:8,055,838, G>A. VCF-style: chr10-8055838-G-A. GRCh37 (hg19) VCF-style: chr10-8097801-G-A.
Other names: c.183G>A, p.Pro61= (NM_002051.3).
Identifiers: ClinVar variation 3349790 (VCV003349790.2).

ClinVar aggregate classification (germline): Likely benign. Review status: criteria provided, single submitter (1 of 4 stars). 2 submissions from 2 submitters: Likely benign (1). 1 of the submissions does not count toward it. Last evaluated 2020-12-29.

Conditions:
GATA3-related disorder. Also called: GATA3-related condition.

gnomAD v4.1: 7 of 1,583,918 alleles (0.00044%); highest among the groups gnomAD compares: Middle Eastern, 0.033%; no homozygotes.

Submissions (2):

Blueprint Genetics
Classification: Likely benign. Last evaluated: 2020-12-29. Review status: criteria provided, single submitter. Criteria: ACMG Guidelines, 2015. Collection method: clinical testing. Allele origin: germline.

PreventionGenetics, part of Exact Sciences
Classification: Likely benign for GATA3-related condition. Last evaluated: 2024-07-15. Review status: no assertion criteria provided. Collection method: clinical testing. Allele origin: germline. Not counted in ClinVar's aggregate classification.
Comment: This variant is classified as likely benign based on ACMG/AMP sequence variant interpretation guidelines (Richards et al. 2015 PMID: 25741868, with internal and published modifications).